The following is an entry in ClinVar:

ClinVar aggregate classification (germline): Pathogenic (1 of 4 stars; one submission).

Submission:

GeneDx
Classification: Pathogenic. Last evaluated: 2023-05-15. Review status: criteria provided, single submitter. Criteria: GeneDx Variant Classification Process June 2021. Collection method: clinical testing. Allele origin: germline. Affected: yes.
Comment: Frameshift variant predicted to result in protein truncation or nonsense mediated decay in a gene for which loss of function is a known mechanism of disease; Has not been previously published as pathogenic or benign to our knowledge

NM_022370.4(ROBO3):c.3467_3476del (p.Leu1156fs)

Gene: ROBO3 (roundabout guidance receptor 3; plus strand). Cytogenetic location: 11q24.2.
Variant type: Deletion.
Coding change: c.3467_3476del on transcript NM_022370.4 (MANE Select); coding-DNA positions 3467 to 3476, 10 bases deleted (TTACACCCTC; older notation c.3467_3476delTTACACCCTC).
Protein change: p.Leu1156fs; shifts the reading frame from leucine 1156.
Molecular consequence: frameshift variant. On other transcripts: non-coding transcript variant (5).
Genome position (GRCh38, 1-based): chr11:124,878,730-124,878,739, TTACACCCTC deleted; deleting any 10 consecutive bases within chr11:124,878,727-124,878,739 gives the same sequence; the c. name uses the placement nearest the transcript's 3' end. VCF-style (leftmost placement, unchanged base first): chr11-124878726-ACTCTTACACC-A. GRCh37 (hg19) VCF-style: chr11-124748622-ACTCTTACACC-A.
Other names: c.614_623del, p.Leu205fs (NM_001370356.1, NM_001370357.1, NM_001370358.1 and 2 more transcripts); c.419_428del, p.Leu140fs (NM_001370364.1, NM_001370366.1); c.3467_3476delTTACACCCTC (NM_022370.3); c.3467_3476del (NM_022370.3); short protein forms L1156fs, L140fs, L205fs.
Identifiers: ClinVar variation 419194 (VCV000419194.2), dbSNP rs754162997, ClinGen allele CA6344162.